The following is an entry in ClinVar:

NM_022041.4(GAN):c.304A>C (p.Ile102Leu)

Gene: GAN (gigaxonin; plus strand). Cytogenetic location: 16q23.2.
Variant type: single nucleotide variant.
Coding change: c.304A>C on transcript NM_022041.4 (MANE Select); coding-DNA position 304, A replaced by C.
Protein change: p.Ile102Leu; replaces isoleucine 102 with leucine.
Molecular consequence: missense variant. On other transcripts: 5 prime UTR variant (1).
Genome position (GRCh38, 1-based): chr16:81,354,426, A>C. VCF-style: chr16-81354426-A-C. GRCh37 (hg19) VCF-style: chr16-81388031-A-C.
Other names: c.-336A>C (NM_001377486.1); short protein forms I102L.
Identifiers: ClinVar variation 1799228 (VCV001799228.2), dbSNP rs779968294, ClinGen allele CA8191342.
Genomic context (GRCh38, chr16:81,354,426, plus strand): 5'-TACACATTCAAATATAAGATAATTATGCTACTTTTTTAGATCAGGCTAAATGAAGATACA[A>C]TCCAAGATGTTGTTCAGGCAGCTGACCTGCTGCTACTGACGGACCTTAAAACCCTGTGCT-3'
Protein context (NP_071324.1, residues 92-112): SGQIRLNEDT[Ile102Leu]QDVVQAADLL

ClinVar aggregate classification (germline): Uncertain significance (1 of 4 stars; one submission).

Conditions:
Inborn genetic diseases. Identifiers: MedGen C0950123, MeSH D030342.

Allele frequency attached by ClinVar (database versions not stated): ExAC 0.00001.

Submission:

Ambry Genetics
Classification: Uncertain significance for Inborn genetic diseases. Last evaluated: 2021-11-09. Review status: criteria provided, single submitter. Criteria: Ambry Variant Classification Scheme 2023. Collection method: clinical testing. Allele origin: germline.
Comment: The p.I102L variant (also known as c.304A>C), located in coding exon 3 of the GAN gene, results from an A to C substitution at nucleotide position 304. The isoleucine at codon 102 is replaced by leucine, an amino acid with highly similar properties. This amino acid position is conserved. In addition, this alteration is predicted to be tolerated by in silico analysis. Since supporting evidence is limited at this time, the clinical significance of this alteration remains unclear.